The following is an entry in ClinVar:

NM_001365276.2(TNXB):c.3149-3C>T

Gene: TNXB (tenascin XB; minus strand). Cytogenetic location: 6p21.33.
Variant type: single nucleotide variant.
Coding change: c.3149-3C>T on transcript NM_001365276.2 (MANE Select); 3 bases into the intron before coding-DNA position 3149, C replaced by T.
Molecular consequence: intron variant.
Genome position (GRCh38, 1-based): chr6:32,084,712, G>A on the plus strand (C>T on the coding strand, the complement: TNXB is on the minus strand). VCF-style: chr6-32084712-G-A. GRCh37 (hg19) VCF-style: chr6-32052489-G-A.
Other names: p.?; c.3149-3C>T (NM_019105.8).
Identifiers: ClinVar variation 1201555 (VCV001201555.33), dbSNP rs372556970, ClinGen allele CA3735232.

ClinVar aggregate classification (germline): Conflicting classifications of pathogenicity. Review status: criteria provided, conflicting classifications (1 of 4 stars). 5 submissions from 5 submitters: Uncertain significance (1); Likely benign (3). 1 of the submissions does not count toward it. Last evaluated 2026-07-01.

Conditions:
Cardiovascular phenotype. Identifiers: MedGen CN230736.
TNXB-related disorder. Also called: TNXB-related condition.

Allele frequency attached by ClinVar (database versions not stated): TOPMed 0.00033; gnomAD 0.00034 and 0.00032; ExAC 0.00041; ESP Exome Variant Server 0.00049; gnomAD exomes 0.00065 and 0.00027.
gnomAD v4.1: 992 of 1,554,892 alleles (0.064%); highest among the groups gnomAD compares: Non-Finnish European, 0.08%; 2 homozygotes.

Submissions (5):

CeGaT Center for Human Genetics Tuebingen
Classification: Likely benign. Last evaluated: 2026-07-01. Review status: criteria provided, single submitter. Criteria: CeGaT Center For Human Genetics Tuebingen Variant Classification Criteria Version 2. Collection method: clinical testing. Allele origin: germline. Affected: yes. Observed: 4 variant alleles.
Comment: TNXB: BP4

Mayo Clinic Laboratories, Mayo Clinic
Classification: Likely benign. Last evaluated: 2025-11-19. Review status: criteria provided, single submitter. Criteria: ACMG Guidelines, 2015. Collection method: clinical testing. Allele origin: germline. Observed: 1 variant allele.
Comment: BP4, BP7

Ambry Genetics
Classification: Uncertain significance for Cardiovascular phenotype. Last evaluated: 2024-11-12. Review status: criteria provided, single submitter. Criteria: Ambry Variant Classification Scheme 2023. Collection method: clinical testing. Allele origin: germline.
Comment: The c.3149-3C>T intronic variant results from a C to T substitution 3 nucleotides upstream from coding exon 7 in the TNXB gene. This nucleotide position is well conserved in available vertebrate species. In silico splice site analysis predicts that this alteration will not have any significant effect on splicing. Since supporting evidence is limited at this time, the clinical significance of this alteration remains unclear.

GeneDx
Classification: Likely benign. Last evaluated: 2021-02-15. Review status: criteria provided, single submitter. Criteria: GeneDx Variant Classification Process June 2021. Collection method: clinical testing. Allele origin: germline. Affected: yes.

PreventionGenetics, part of Exact Sciences
Classification: Likely benign for TNXB-related condition. Last evaluated: 2019-06-04. Review status: no assertion criteria provided. Collection method: clinical testing. Allele origin: germline. Not counted in ClinVar's aggregate classification.
Comment: This variant is classified as likely benign based on ACMG/AMP sequence variant interpretation guidelines (Richards et al. 2015 PMID: 25741868, with internal and published modifications).